The following is an entry in ClinVar:

NM_005548.3(KARS1):c.872A>G (p.Asp291Gly)

Gene: KARS1 (lysyl-tRNA synthetase 1; minus strand). Cytogenetic location: 16q23.1.
Variant type: single nucleotide variant.
Coding change: c.872A>G on transcript NM_005548.3 (MANE Select); coding-DNA position 872, A replaced by G.
Protein change: p.Asp291Gly; replaces aspartic acid 291 with glycine.
Molecular consequence: missense variant.
Genome position (GRCh38, 1-based): chr16:75,634,216, T>C on the plus strand (A>G on the coding strand, the complement: KARS1 is on the minus strand). VCF-style: chr16-75634216-T-C. GRCh37 (hg19) VCF-style: chr16-75668114-T-C.
Other names: c.956A>G, p.Asp319Gly (NM_001130089.2); c.404A>G, p.Asp135Gly (NM_001378148.1); short protein forms D135G, D291G, D319G.
Identifiers: ClinVar variation 1315745 (VCV001315745.3), dbSNP rs749348050, ClinGen allele CA8177479.

ClinVar aggregate classification (germline): Uncertain significance. Review status: criteria provided, multiple submitters, no conflicts (2 of 4 stars). 2 submissions from 2 submitters: Uncertain significance (2). Last evaluated 2025-03-27.

Allele frequency attached by ClinVar (database versions not stated): ExAC 0.00001; gnomAD 0.00001; TOPMed 0.00001; gnomAD exomes 0.00002 and 0.00003.
gnomAD v4.1: 41 of 1,613,942 alleles (0.0025%); highest among the groups gnomAD compares: Non-Finnish European, 0.0034%; no homozygotes.

Submissions (2):

Labcorp Genetics (formerly Invitae), Labcorp
Classification: Uncertain significance. Last evaluated: 2025-03-27. Review status: criteria provided, single submitter. Criteria: Invitae Variant Classification Sherloc (09022015). Collection method: clinical testing. Allele origin: germline.
Comment: This sequence change replaces aspartic acid, which is acidic and polar, with glycine, which is neutral and non-polar, at codon 319 of the KARS protein (p.Asp319Gly). This variant is present in population databases (rs749348050, gnomAD 0.004%). This variant has not been reported in the literature in individuals affected with KARS-related conditions. ClinVar contains an entry for this variant (Variation ID: 1315745). Invitae Evidence Modeling of protein sequence and biophysical properties (such as structural, functional, and spatial information, amino acid conservation, physicochemical variation, residue mobility, and thermodynamic stability) indicates that this missense variant is not expected to disrupt KARS protein function with a negative predictive value of 80%. In summary, the available evidence is currently insufficient to determine the role of this variant in disease. Therefore, it has been classified as a Variant of Uncertain Significance.

GeneDx
Classification: Uncertain significance. Last evaluated: 2019-11-22. Review status: criteria provided, single submitter. Criteria: GeneDx Variant Classification Process June 2021. Collection method: clinical testing. Allele origin: germline. Affected: yes.
Comment: Not observed at a significant frequency in large population cohorts (Lek et al., 2016); In silico analysis, which includes protein predictors and evolutionary conservation, supports a deleterious effect; Has not been previously published as pathogenic or benign to our knowledge